The following is an entry in ClinVar:

NM_000218.3(KCNQ1):c.1515-2_1515-1del

Gene: KCNQ1 (potassium voltage-gated channel subfamily Q member 1; plus strand). Cytogenetic location: 11p15.5.
Variant type: Deletion.
Coding change: c.1515-2_1515-1del on transcript NM_000218.3 (MANE Select); the canonical splice acceptor site of the intron before coding-DNA position 1515, 2 bases deleted (AG; older notation c.1515-2_1515-1delAG).
Molecular consequence: splice acceptor variant.
Genome position (GRCh38, 1-based): chr11:2,768,842-2,768,843, AG deleted. VCF-style (leftmost placement, unchanged base first): chr11-2768841-CAG-C. GRCh37 (hg19) VCF-style: chr11-2790071-CAG-C.
Other names: c.1515-2_1515-1delAG (NM_000218.2); c.1245-2_1245-1del (NM_001406837.1); c.1419-2_1419-1del (NM_001406836.1); c.975-2_975-1del (NM_001406838.1); c.1134-2_1134-1del (NM_181798.2).
Identifiers: ClinVar variation 576205 (VCV000576205.11), dbSNP rs1564886323, ClinGen allele CA891842694.

ClinVar aggregate classification (germline): Likely pathogenic. Review status: criteria provided, multiple submitters, no conflicts (2 of 4 stars). 2 submissions from 2 submitters: Likely pathogenic (2). Last evaluated 2023-10-18.

Conditions:
Long QT syndrome (LQTS). Identifiers: MedGen C0023976, MeSH D008133, MONDO:0002442. Disease mechanism: loss of function. Inheritance: Various modes of inheritance.

Submissions (2):

Labcorp Genetics (formerly Invitae), Labcorp
Classification: Likely pathogenic for Long QT syndrome. Last evaluated: 2023-10-18. Review status: criteria provided, single submitter. Criteria: Invitae Variant Classification Sherloc (09022015). Collection method: clinical testing. Allele origin: germline.
Comment: This sequence change affects a splice site in intron 11 of the KCNQ1 gene. It is expected to disrupt RNA splicing. Variants that disrupt the donor or acceptor splice site typically lead to a loss of protein function (PMID: 16199547), and loss-of-function variants in KCNQ1 are known to be pathogenic (PMID: 9323054, 19862833). This variant is not present in population databases (gnomAD no frequency). Disruption of this splice site has been observed in individual(s) with clinical features of KCNQ1-related conditions (PMID: 19716085; Invitae). This variant is also known as 1515-2 del AG. ClinVar contains an entry for this variant (Variation ID: 576205). Algorithms developed to predict the effect of sequence changes on RNA splicing suggest that this variant may disrupt the consensus splice site. In summary, the currently available evidence indicates that the variant is pathogenic, but additional data are needed to prove that conclusively. Therefore, this variant has been classified as Likely Pathogenic.

Women's Health and Genetics/Laboratory Corporation of America, LabCorp
Classification: Likely pathogenic for Long QT syndrome. Last evaluated: 2017-12-26. Review status: criteria provided, single submitter. Criteria: LabCorp Variant Classification Summary - May 2015. Collection method: clinical testing. Allele origin: germline.
Comment: Variant summary: The KCNQ1 c.1515-2_1515-1delAG variant involves the deletion of two intronic nucleotides that represent the canonical splice site at the intron/exon junction. One in silico tool predicts a damaging outcome for this variant. 5/5 splice prediction tools predict a loss of normal splicing due to the deletion, as well as a disruption of ESE sites at the locus. However, these predictions have yet to be confirmed by functional studies. This variant is absent in 246228 control chromosomes but was identified in a patient suspected of Long QT syndrome (Kapplinger_2009). Taken together, this variant is classified as likely pathogenic.

Literature cited by the submitters: PubMed 16199547 (cited by Labcorp Genetics (formerly Invitae), Labcorp); PubMed 9323054 (cited by Labcorp Genetics (formerly Invitae), Labcorp); PubMed 19862833 (cited by Labcorp Genetics (formerly Invitae), Labcorp); PubMed 19716085 (cited by Labcorp Genetics (formerly Invitae), Labcorp and Women's Health and Genetics/Laboratory Corporation of America, LabCorp).